The following is an entry in ClinVar:

NM_000088.4(COL1A1):c.4368C>G (p.Phe1456Leu)

Gene: COL1A1 (collagen type I alpha 1 chain; minus strand). Cytogenetic location: 17q21.33.
Variant type: single nucleotide variant.
Coding change: c.4368C>G on transcript NM_000088.4 (MANE Select); coding-DNA position 4368, C replaced by G.
Protein change: p.Phe1456Leu; replaces phenylalanine 1456 with leucine.
Molecular consequence: missense variant.
Genome position (GRCh38, 1-based): chr17:50,185,529, G>C on the plus strand (C>G on the coding strand, the complement: COL1A1 is on the minus strand). VCF-style: chr17-50185529-G-C. GRCh37 (hg19) VCF-style: chr17-48262890-G-C.
Other names: short protein forms F1456L.
Identifiers: ClinVar variation 1427498 (VCV001427498.8), dbSNP rs765224053, ClinGen allele CA8644174.
Genomic context (GRCh38, chr17:50,185,529, plus strand): 5'-GGTGGGAGGGAGCCAGGTTGGGATGGAGGGAGTTTACAGGAAGCAGACAGGGCCAACGTC[G>C]AAGCCGAATTCCTGGTCTGGGGCACCAACGTCCAAGGGGGCCACATCGATGATGGGCAGG-3'
Protein context (NP_000079.2, residues 1446-1464): DVGAPDQEFG[Phe1456Leu]DVGPVCFL

ClinVar aggregate classification (germline): Uncertain significance (1 of 4 stars; one submission).

Conditions:
Osteogenesis imperfecta type I (OI1). Also called: Lobstein's Disease; Osteogenesis imperfecta type 1; Lobstein disease; Classic Non-deforming Osteogenesis Imperfecta with Blue Sclerae; OI, TYPE I; OSTEOGENESIS IMPERFECTA TARDA. Identifiers: Orphanet 216796, Orphanet 666, MedGen C0023931, MONDO:0008146, OMIM 166200. Disease mechanism: loss of function.

Allele frequency attached by ClinVar (database versions not stated): TOPMed 0.00001.

Submission:

Labcorp Genetics (formerly Invitae), Labcorp
Classification: Uncertain significance for Osteogenesis imperfecta type I. Last evaluated: 2021-04-11. Review status: criteria provided, single submitter. Criteria: Invitae Variant Classification Sherloc (09022015). Collection method: clinical testing. Allele origin: germline.
Comment: This variant has not been reported in the literature in individuals with COL1A1-related conditions. This variant is present in population databases (rs765224053, ExAC 0.002%). This sequence change replaces phenylalanine with leucine at codon 1456 of the COL1A1 protein (p.Phe1456Leu). The phenylalanine residue is weakly conserved and there is a small physicochemical difference between phenylalanine and leucine. Advanced modeling of protein sequence and biophysical properties (such as structural, functional, and spatial information, amino acid conservation, physicochemical variation, residue mobility, and thermodynamic stability) performed at Invitae indicates that this missense variant is not expected to disrupt COL1A1 protein function. In summary, the available evidence is currently insufficient to determine the role of this variant in disease. Therefore, it has been classified as a Variant of Uncertain Significance.